The following is an entry in ClinVar:

NM_014159.7(SETD2):c.3568G>A (p.Val1190Met)

Gene: SETD2 (SET domain containing 2, histone lysine methyltransferase; minus strand). Cytogenetic location: 3p21.31.
Variant type: single nucleotide variant.
Coding change: c.3568G>A on transcript NM_014159.7 (MANE Select); coding-DNA position 3568, G replaced by A.
Protein change: p.Val1190Met; replaces valine 1190 with methionine.
Molecular consequence: missense variant. On other transcripts: non-coding transcript variant (1).
Genome position (GRCh38, 1-based): chr3:47,121,068, C>T on the plus strand (G>A on the coding strand, the complement: SETD2 is on the minus strand). VCF-style: chr3-47121068-C-T. GRCh37 (hg19) VCF-style: chr3-47162558-C-T.
Other names: c.3436G>A, p.Val1146Met (NM_001349370.3); short protein forms V1146M, V1190M.
Identifiers: ClinVar variation 1432340 (VCV001432340.6), dbSNP rs1002109417, ClinGen allele CA73808934.

ClinVar aggregate classification (germline): Uncertain significance (1 of 4 stars; one submission).

Conditions:
Luscan-Lumish syndrome. Identifiers: Orphanet 597738, MedGen C4085873, MONDO:0014791, OMIM 616831.

Allele frequency attached by ClinVar (database versions not stated): gnomAD 0.00001; gnomAD exomes 0.00001 and 0.00002.
gnomAD v4.1: 35 of 1,613,936 alleles (0.0022%); highest among the groups gnomAD compares: Admixed American, 0.0033%; no homozygotes.

Submission:

Labcorp Genetics (formerly Invitae), Labcorp
Classification: Uncertain significance for Luscan-Lumish syndrome. Last evaluated: 2021-12-01. Review status: criteria provided, single submitter. Criteria: Invitae Variant Classification Sherloc (09022015). Collection method: clinical testing. Allele origin: germline.
Comment: In summary, the available evidence is currently insufficient to determine the role of this variant in disease. Therefore, it has been classified as a Variant of Uncertain Significance. Algorithms developed to predict the effect of missense changes on protein structure and function output the following: SIFT: "Tolerated"; PolyPhen-2: "Benign"; Align-GVGD: "Class C0". The methionine amino acid residue is found in multiple mammalian species, which suggests that this missense change does not adversely affect protein function. This variant has not been reported in the literature in individuals affected with SETD2-related conditions. This variant is present in population databases (no rsID available, gnomAD 0.003%). This sequence change replaces valine, which is neutral and non-polar, with methionine, which is neutral and non-polar, at codon 1190 of the SETD2 protein (p.Val1190Met).